The following is an entry in ClinVar:

NM_001386795.1(DTNA):c.163A>G (p.Ile55Val)

Gene: DTNA (dystrobrevin alpha; plus strand). Cytogenetic location: 18q12.1.
Variant type: single nucleotide variant.
Coding change: c.163A>G on transcript NM_001386795.1 (MANE Select); coding-DNA position 163, A replaced by G.
Protein change: p.Ile55Val; replaces isoleucine 55 with valine.
Molecular consequence: missense variant.
Genome position (GRCh38, 1-based): chr18:34,794,051, A>G. VCF-style: chr18-34794051-A-G. GRCh37 (hg19) VCF-style: chr18-32374015-A-G.
Other names: c.163A>G (NM_001390.4); c.163A>G, p.Ile55Val (NM_001128175.2, NM_001198938.2, NM_001198939.2 and 35 more transcripts); short protein forms I55V.
Identifiers: ClinVar variation 1350874 (VCV001350874.7), dbSNP rs1487690122, ClinGen allele CA402274792.

ClinVar aggregate classification (germline): Uncertain significance. Review status: criteria provided, multiple submitters, no conflicts (2 of 4 stars). 2 submissions from 2 submitters: Uncertain significance (2). Last evaluated 2026-04-17.

Conditions:
DTNA-related disorder. Also called: DTNA-related condition.
Left ventricular noncompaction 1 (LVNC1). Also called: LEFT VENTRICULAR NONCOMPACTION 1 WITH OR WITHOUT CONGENITAL HEART DEFECTS. Identifiers: Orphanet 54260, MedGen C1858725, MONDO:0011403, OMIM 604169.

Allele frequency attached by ClinVar (database versions not stated): TOPMed below 0.00001.
gnomAD v4.1: 4 of 1,614,094 alleles (0.00025%); highest among the groups gnomAD compares: Admixed American, 0.0017%; no homozygotes.

Submissions (2):

PreventionGenetics, part of Exact Sciences
Classification: Uncertain significance for DTNA-related condition. Last evaluated: 2026-04-17. Review status: criteria provided, single submitter. Criteria: ACMG Guidelines, 2015. Collection method: clinical testing. Allele origin: germline.
Comment: The DTNA c.163A>G variant is predicted to result in the amino acid substitution p.Ile55Val. To our knowledge, this variant has not been reported in the literature. This variant is reported in 0.0065% of alleles in individuals of European (Non-Finnish) descent in gnomAD. At this time, the clinical significance of this variant is uncertain due to the absence of conclusive functional and genetic evidence.

Labcorp Genetics (formerly Invitae), Labcorp
Classification: Uncertain significance for Left ventricular noncompaction 1. Last evaluated: 2023-10-11. Review status: criteria provided, single submitter. Criteria: Invitae Variant Classification Sherloc (09022015). Collection method: clinical testing. Allele origin: germline.
Comment: This sequence change replaces isoleucine, which is neutral and non-polar, with valine, which is neutral and non-polar, at codon 55 of the DTNA protein (p.Ile55Val). This variant is present in population databases (no rsID available, gnomAD 0.007%). This variant has not been reported in the literature in individuals affected with DTNA-related conditions. ClinVar contains an entry for this variant (Variation ID: 1350874). Advanced modeling of protein sequence and biophysical properties (such as structural, functional, and spatial information, amino acid conservation, physicochemical variation, residue mobility, and thermodynamic stability) performed at Invitae indicates that this missense variant is not expected to disrupt DTNA protein function. In summary, the available evidence is currently insufficient to determine the role of this variant in disease. Therefore, it has been classified as a Variant of Uncertain Significance.